The following is an entry in ClinVar:

ClinVar aggregate classification (germline): Uncertain significance. Review status: criteria provided, multiple submitters, no conflicts (2 of 4 stars). 2 submissions from 2 submitters: Uncertain significance (2). Last evaluated 2025-11-20.

Conditions:
Autosomal recessive limb-girdle muscular dystrophy type 2J (LGMDR10). Also called: Limb-girdle muscular dystrophy, type 2J; MUSCULAR DYSTROPHY, LIMB-GIRDLE, AUTOSOMAL RECESSIVE 10. Identifiers: Orphanet 140922, MedGen C1837342, MONDO:0012127, OMIM 608807.
Dilated cardiomyopathy 1G (CMD1G). Identifiers: Orphanet 154, MedGen C1858763, MONDO:0011400, OMIM 604145.

gnomAD v4.1: 6 of 1,613,586 alleles (0.00037%); highest among the groups gnomAD compares: Non-Finnish European, 0.00042%; no homozygotes.

Submissions (2):

Women's Health and Genetics/Laboratory Corporation of America, LabCorp
Classification: Uncertain significance. Last evaluated: 2025-11-20. Review status: criteria provided, single submitter. Criteria: LabCorp Variant Classification Summary - May 2015. Collection method: clinical testing. Allele origin: germline.
Comment: Variant summary: TTN NM_133378 c.93932A>G (p.His31311Arg), also known as NM_001267550 c.101636A>G p.His33879Arg, results in a non-conservative amino acid change in the A-band region of the encoded protein sequence. Algorithms developed to predict the effect of missense changes on protein structure and function are either unavailable or do not agree on the potential impact of this missense change. The variant allele was found at a frequency of 1.2e-05 in 248594 control chromosomes. The available data on variant occurrences in the general population are insufficient to allow any conclusion about variant significance. To our knowledge, no occurrence of c.93932A>G in individuals affected with TTN-related conditions and no experimental evidence demonstrating its impact on protein function have been reported. ClinVar contains an entry for this variant (Variation ID: 3762382). Based on the evidence outlined above, the variant was classified as uncertain significance.

Labcorp Genetics (formerly Invitae), Labcorp
Classification: Uncertain significance for Dilated cardiomyopathy 1G; Autosomal recessive limb-girdle muscular dystrophy type 2J. Last evaluated: 2024-09-29. Review status: criteria provided, single submitter. Criteria: Invitae Variant Classification Sherloc (09022015). Collection method: clinical testing. Allele origin: germline.
Comment: This sequence change replaces histidine, which is basic and polar, with arginine, which is basic and polar, at codon 33879 of the TTN protein (p.His33879Arg). This variant is present in population databases (rs762414833, gnomAD 0.003%). This variant has not been reported in the literature in individuals affected with TTN-related conditions. Experimental studies and prediction algorithms are not available or were not evaluated, and the functional significance of this variant is currently unknown. In summary, the available evidence is currently insufficient to determine the role of this variant in disease. Therefore, it has been classified as a Variant of Uncertain Significance.

NM_001267550.2(TTN):c.101636A>G (p.His33879Arg)

Genes: TTN-AS1 (TTN antisense RNA 1; plus strand), TTN (titin; minus strand). Cytogenetic location: 2q31.2.
Variant type: single nucleotide variant.
Coding change: c.101636A>G on transcript NM_001267550.2 (MANE Select); coding-DNA position 101636, A replaced by G.
Protein change: p.His33879Arg; replaces histidine 33879 with arginine.
Molecular consequence: missense variant.
Genome position (GRCh38, 1-based): chr2:178,534,979, T>C on the plus strand (A>G on the coding strand, the complement: TTN is on the minus strand). VCF-style: chr2-178534979-T-C. GRCh37 (hg19) VCF-style: chr2-179399706-T-C.
Other names: c.96713A>G, p.His32238Arg (NM_001256850.1); c.74441A>G, p.His24814Arg (NM_003319.4); c.93932A>G, p.His31311Arg (NM_133378.4); c.74816A>G, p.His24939Arg (NM_133432.3); c.75017A>G, p.His25006Arg (NM_133437.4); short protein forms H24814R, H24939R, H25006R, H31311R, H32238R, H33879R.
Identifiers: ClinVar variation 3762382 (VCV003762382.3).